The following is an entry in ClinVar:

ClinVar aggregate classification (germline): Uncertain significance. Review status: criteria provided, multiple submitters, no conflicts (2 of 4 stars). 2 submissions from 2 submitters: Uncertain significance (2). Last evaluated 2025-11-24.

Conditions:
Inborn genetic diseases. Identifiers: MedGen C0950123, MeSH D030342.

Allele frequency attached by ClinVar (database versions not stated): gnomAD exomes below 0.00001.
gnomAD v4.1: 3 of 1,209,765 alleles (0.00025%); highest among the groups gnomAD compares: Non-Finnish European, 0.00034%; no homozygotes.

Submissions (2):

Labcorp Genetics (formerly Invitae), Labcorp
Classification: Uncertain significance. Last evaluated: 2025-11-24. Review status: criteria provided, single submitter. Criteria: Invitae Variant Classification Sherloc (09022015). Collection method: clinical testing. Allele origin: germline.
Comment: This sequence change replaces arginine, which is basic and polar, with lysine, which is basic and polar, at codon 116 of the SSR4 protein (p.Arg116Lys). This variant is not present in population databases (gnomAD no frequency). This variant has not been reported in the literature in individuals affected with SSR4-related conditions. ClinVar contains an entry for this variant (Variation ID: 1981885). An algorithm developed to predict the effect of missense changes on protein structure and function outputs the following: PolyPhen-2: "Not Available". The lysine amino acid residue is found in multiple mammalian species, which suggests that this missense change does not adversely affect protein function. In summary, the available evidence is currently insufficient to determine the role of this variant in disease. Therefore, it has been classified as a Variant of Uncertain Significance.

Ambry Genetics
Classification: Uncertain significance for Inborn genetic diseases. Last evaluated: 2021-11-15. Review status: criteria provided, single submitter. Criteria: Ambry Variant Classification Scheme 2023. Collection method: clinical testing. Allele origin: germline.

NM_006280.3(SSR4):c.314G>A (p.Arg105Lys)

Gene: SSR4 (signal sequence receptor subunit 4; plus strand). Cytogenetic location: Xq28.
Variant type: single nucleotide variant.
Coding change: c.314G>A on transcript NM_006280.3 (MANE Select); coding-DNA position 314, G replaced by A.
Protein change: p.Arg105Lys; replaces arginine 105 with lysine.
Molecular consequence: missense variant.
Genome position (GRCh38, 1-based): chrX:153,797,777, G>A. VCF-style: chrX-153797777-G-A. GRCh37 (hg19) VCF-style: chrX-153063232-G-A.
Other names: c.347G>A, p.Arg116Lys (NM_001204526.2); c.338G>A, p.Arg113Lys (NM_001204527.2); short protein forms R113K, R105K, R116K.
Identifiers: ClinVar variation 1981885 (VCV001981885.5), dbSNP rs2092150919, ClinGen allele CA415186840.